The following is an entry in ClinVar:

NM_021625.5(TRPV4):c.501C>A (p.Asp167Glu)

Gene: TRPV4 (transient receptor potential cation channel subfamily V member 4; minus strand). Cytogenetic location: 12q24.11.
Variant type: single nucleotide variant.
Coding change: c.501C>A on transcript NM_021625.5 (MANE Select); coding-DNA position 501, C replaced by A.
Protein change: p.Asp167Glu; replaces aspartic acid 167 with glutamic acid.
Molecular consequence: missense variant.
Genome position (GRCh38, 1-based): chr12:109,808,354, G>T on the plus strand (C>A on the coding strand, the complement: TRPV4 is on the minus strand). VCF-style: chr12-109808354-G-T. GRCh37 (hg19) VCF-style: chr12-110246159-G-T.
Other names: c.501C>A, p.Asp167Glu (NM_147204.3, NM_001177428.2, NM_001177433.2); c.399C>A, p.Asp133Glu (NM_001177431.2); short protein forms D133E, D167E.
Identifiers: ClinVar variation 4744096 (VCV004744096.1).

ClinVar aggregate classification (germline): Uncertain significance (1 of 4 stars; one submission).

Conditions:
Charcot-Marie-Tooth disease axonal type 2C (HMSN2C). Also called: CHARCOT-MARIE-TOOTH DISEASE, AXONAL, AUTOSOMAL DOMINANT, TYPE 2C; Charcot-Marie-Tooth Neuropathy Type 2C; Charcot-Marie-Tooth Disease Type 2, TRPV4-Related (CMT2C). Identifiers: Orphanet 99937, MedGen C1853710, MONDO:0011633, OMIM 606071.

Submission:

Labcorp Genetics (formerly Invitae), Labcorp
Classification: Uncertain significance for Charcot-Marie-Tooth disease axonal type 2C. Last evaluated: 2025-03-05. Review status: criteria provided, single submitter. Criteria: Invitae Variant Classification Sherloc (09022015). Collection method: clinical testing. Allele origin: germline.
Comment: This sequence change replaces aspartic acid, which is acidic and polar, with glutamic acid, which is acidic and polar, at codon 167 of the TRPV4 protein (p.Asp167Glu). This variant is not present in population databases (gnomAD no frequency). This variant has not been reported in the literature in individuals affected with TRPV4-related conditions. Invitae Evidence Modeling of protein sequence and biophysical properties (such as structural, functional, and spatial information, amino acid conservation, physicochemical variation, residue mobility, and thermodynamic stability) indicates that this missense variant is not expected to disrupt TRPV4 protein function with a negative predictive value of 95%. In summary, the available evidence is currently insufficient to determine the role of this variant in disease. Therefore, it has been classified as a Variant of Uncertain Significance.